The following is an entry in ClinVar:

ClinVar aggregate classification (germline): Pathogenic (1 of 4 stars; one submission).

Conditions:
VPS13A-related neurodegenerative disease. Also called: ACANTHOCYTOSIS WITH NEUROLOGIC DISORDER; LEVINE-CRITCHLEY SYNDROME; Choreoacanthocytosis; Chorea-acanthocytosis; Choreaacanthocytosis; VPS13A Disease. Identifiers: Orphanet 2388, MedGen C0393576, MONDO:0008695, OMIM 200150.

Submission:

Myriad Genetics, Inc.
Classification: Pathogenic for VPS13A-related neurodegenerative disease. Last evaluated: 2024-05-14. Review status: criteria provided, single submitter. Criteria: Myriad Autosomal Dominant, Autosomal Recessive and X-Linked Classification Criteria (2023). Collection method: clinical testing. Allele origin: unknown.
Comment: NM_033305.2(VPS13A):c.6787_6808del22ins3(V2263Cfs*20) is expected to be pathogenic in the context of VPS13A disease. This variant is predicted to lead to an abnormal or absent protein product due to the creation of a premature termination codon in VPS13A, a gene where loss-of-function variants are known to be pathogenic. Please note: this variant was assessed in the context of healthy population screening.

NM_033305.3(VPS13A):c.6787_6808delinsTGT (p.Val2263fs)

Gene: VPS13A (vacuolar protein sorting 13 homolog A; plus strand). Cytogenetic location: 9q21.2.
Variant type: Indel.
Coding change: c.6787_6808delinsTGT on transcript NM_033305.3 (MANE Select); coding-DNA positions 6787 to 6808, GTAACTGATAGTGAGTTGTCCA replaced by TGT.
Protein change: p.Val2263fs; shifts the reading frame from valine 2263.
Molecular consequence: frameshift variant.
Genome position (GRCh38, 1-based): chr9:77,340,190-77,340,211, GTAACTGATAGTGAGTTGTCCA replaced by TGT. VCF-style: chr9-77340190-GTAACTGATAGTGAGTTGTCCA-TGT. GRCh37 (hg19) VCF-style: chr9-79955106-GTAACTGATAGTGAGTTGTCCA-TGT.
Other names: c.6670_6691delinsTGT, p.Val2224fs (NM_001018037.2); c.6787_6808delinsTGT, p.Val2263fs (NM_001018038.3, NM_015186.4); short protein forms V2224fs, V2263fs.
Identifiers: ClinVar variation 5010957 (VCV005010957.1).